The following is an entry in ClinVar:

NM_002350.4(LYN):c.1390C>T (p.Arg464Cys)

Gene: LYN (LYN proto-oncogene, Src family tyrosine kinase; plus strand). Cytogenetic location: 8q12.1.
Variant type: single nucleotide variant.
Coding change: c.1390C>T on transcript NM_002350.4 (MANE Select); coding-DNA position 1390, C replaced by T.
Protein change: p.Arg464Cys; replaces arginine 464 with cysteine.
Molecular consequence: missense variant.
Genome position (GRCh38, 1-based): chr8:56,009,961, C>T. VCF-style: chr8-56009961-C-T. GRCh37 (hg19) VCF-style: chr8-56922520-C-T.
Other names: c.1327C>T, p.Arg443Cys (NM_001111097.3); short protein forms R443C, R464C.
Identifiers: ClinVar variation 4798145 (VCV004798145.1).

ClinVar aggregate classification (germline): Uncertain significance (1 of 4 stars; one submission).

gnomAD v4.1: 40 of 1,613,822 alleles (0.0025%); highest among the groups gnomAD compares: Non-Finnish European, 0.0032%; no homozygotes.

Submission:

Labcorp Genetics (formerly Invitae), Labcorp
Classification: Uncertain significance. Last evaluated: 2025-11-25. Review status: criteria provided, single submitter. Criteria: Invitae Variant Classification Sherloc (09022015). Collection method: clinical testing. Allele origin: germline.
Comment: This sequence change replaces arginine, which is basic and polar, with cysteine, which is neutral and slightly polar, at codon 464 of the LYN protein (p.Arg464Cys). This variant is not present in population databases (gnomAD no frequency). This variant has not been reported in the literature in individuals affected with LYN-related conditions. An algorithm developed to predict the effect of missense changes on protein structure and function (PolyPhen-2) suggests that this variant is likely to be disruptive. In summary, the available evidence is currently insufficient to determine the role of this variant in disease. Therefore, it has been classified as a Variant of Uncertain Significance.